The following is an entry in ClinVar:

NM_001035.3(RYR2):c.12230C>T (p.Thr4077Ile)

Gene: RYR2 (ryanodine receptor 2; plus strand). Cytogenetic location: 1q43.
Variant type: single nucleotide variant.
Coding change: c.12230C>T on transcript NM_001035.3 (MANE Select); coding-DNA position 12230, C replaced by T.
Protein change: p.Thr4077Ile; replaces threonine 4077 with isoleucine.
Molecular consequence: missense variant.
Genome position (GRCh38, 1-based): chr1:237,783,942, C>T. VCF-style: chr1-237783942-C-T. GRCh37 (hg19) VCF-style: chr1-237947242-C-T.
Other names: short protein forms T4077I.
Identifiers: ClinVar variation 3385853 (VCV003385853.3).

ClinVar aggregate classification (germline): Uncertain significance. Review status: criteria provided, multiple submitters, no conflicts (2 of 4 stars). 2 submissions from 2 submitters: Uncertain significance (2). Last evaluated 2024-06-17.

Conditions:
Catecholaminergic polymorphic ventricular tachycardia 1. Also called: VENTRICULAR TACHYCARDIA, CATECHOLAMINERGIC POLYMORPHIC, 1, WITH OR WITHOUT ATRIAL DYSFUNCTION AND/OR DILATED CARDIOMYOPATHY; VENTRICULAR TACHYCARDIA, STRESS-INDUCED POLYMORPHIC 1; RYR2-Related Catecholaminergic Polymorphic Ventricular Tachycardia. Identifiers: Orphanet 3286, MedGen C1631597, MONDO:0011484, OMIM 604772.
Catecholaminergic polymorphic ventricular tachycardia (CVPT). Also called: Catecholamine-induced polymorphic ventricular tachycardia. Identifiers: Orphanet 3286, MedGen C5574922, MONDO:0017990.

Submissions (2):

All of Us Research Program, National Institutes of Health
Classification: Uncertain significance for Catecholaminergic polymorphic ventricular tachycardia. Last evaluated: 2024-06-17. Review status: criteria provided, single submitter. Criteria: ACMG Guidelines, 2015. Collection method: clinical testing. Allele origin: germline. Inheritance: Autosomal dominant inheritance. Observed: 1 variant allele, 1 heterozygote.
Comment: This missense variant replaces threonine with isoleucine at codon 4077 of the RYR2 protein. Computational prediction suggests that this variant may not impact protein structure and function. To our knowledge, functional studies have not been reported for this variant. This variant has not been reported in individuals affected with RYR2-related disorders in the literature. This variant has been identified in 1/31404 chromosomes in the general population by the Genome Aggregation Database (gnomAD). The available evidence is insufficient to determine the role of this variant in disease conclusively. Therefore, this variant is classified as a Variant of Uncertain Significance.

This study involves interpretation of variants in research participants for the purpose of population health screening. Participant phenotype was not available at the time of variant classification. Additional details can be found in publication PMID: 35346344, PMCID: PMC8962531

Labcorp Genetics (formerly Invitae), Labcorp
Classification: Uncertain significance for Catecholaminergic polymorphic ventricular tachycardia 1. Last evaluated: 2024-02-15. Review status: criteria provided, single submitter. Criteria: Invitae Variant Classification Sherloc (09022015). Collection method: clinical testing. Allele origin: germline.
Comment: This sequence change replaces threonine, which is neutral and polar, with isoleucine, which is neutral and non-polar, at codon 4077 of the RYR2 protein (p.Thr4077Ile). This variant is present in population databases (no rsID available, gnomAD 0.007%). This variant has not been reported in the literature in individuals affected with RYR2-related conditions. Advanced modeling of protein sequence and biophysical properties (such as structural, functional, and spatial information, amino acid conservation, physicochemical variation, residue mobility, and thermodynamic stability) performed at Invitae indicates that this missense variant is not expected to disrupt RYR2 protein function with a negative predictive value of 95%. In summary, the available evidence is currently insufficient to determine the role of this variant in disease. Therefore, it has been classified as a Variant of Uncertain Significance.